The following is an entry in ClinVar:

ClinVar aggregate classification (germline): Pathogenic (1 of 4 stars; one submission).

Submission:

Labcorp Genetics (formerly Invitae), Labcorp
Classification: Pathogenic. Last evaluated: 2023-10-14. Review status: criteria provided, single submitter. Criteria: Invitae Variant Classification Sherloc (09022015). Collection method: clinical testing. Allele origin: germline.
Comment: This sequence change creates a premature translational stop signal (p.Ile116Argfs*3) in the EXOSC9 gene. It is expected to result in an absent or disrupted protein product. Loss-of-function variants in EXOSC9 are known to be pathogenic (PMID: 29727687, 33040083). This variant is not present in population databases (gnomAD no frequency). This variant has not been reported in the literature in individuals affected with EXOSC9-related conditions. For these reasons, this variant has been classified as Pathogenic.

Literature cited by the submitters: PubMed 29727687; PubMed 33040083.

NM_005033.3(EXOSC9):c.347_348del (p.Ile116fs)

Gene: EXOSC9 (exosome component 9; plus strand). Cytogenetic location: 4q27.
Variant type: Microsatellite.
Coding change: c.347_348del on transcript NM_005033.3 (MANE Select); coding-DNA positions 347 to 348, 2 bases deleted (TA; older notation c.347_348delTA).
Protein change: p.Ile116fs; shifts the reading frame from isoleucine 116.
Molecular consequence: frameshift variant.
Genome position (GRCh38, 1-based): chr4:121,802,980-121,802,981, TA deleted; deleting any 2 consecutive bases within chr4:121,802,978-121,802,981 gives the same sequence; the c. name uses the placement nearest the transcript's 3' end. VCF-style (leftmost placement, unchanged base first): chr4-121802977-GTA-G. GRCh37 (hg19) VCF-style: chr4-122724132-GTA-G.
Other names: c.347_348del, p.Ile116fs (NM_001034194.2); short protein forms I116fs.
Identifiers: ClinVar variation 2812511 (VCV002812511.3), dbSNP rs2476761256, ClinGen allele CA2578180179.
Genomic context (GRCh38, chr4:121,802,977, plus strand): 5'-AGTCAGATCTCTTGGTGAAGTTGAATCGACTCATGGAAAGATGTCTAAGAAATTCGAAGT[GTA>G]TAGACACTGAGTCTCTCTGTGTTGTTGCTGGTGAAAAGGTGGGGAATATGCCCATAATTC-3'